The following is an entry in ClinVar:

ClinVar aggregate classification (germline): Likely pathogenic (1 of 4 stars; one submission).

Conditions:
Holoprosencephaly 13, X-linked. Identifiers: MedGen C5393308, MONDO:0026763, OMIM 301043.
Mullegama-Klein-Martinez syndrome. Also called: NEURODEVELOPMENTAL DISORDER, X-LINKED, WITH CRANIOFACIAL ABNORMALITIES. Identifiers: MedGen C5193008, MONDO:0026722, OMIM 301022.

Submission:

Molecular Genetics Department, Kulakov National Medical Research Center for Obstetrics, Gynecology and Perinatology
Classification: Likely pathogenic for Mullegama-Klein-Martinez syndrome; Holoprosencephaly 13, X-linked. Review status: criteria provided, single submitter. Criteria: ACMG Guidelines, 2015. Collection method: clinical testing. Allele origin: germline. Affected: yes. Observed: 1 variant allele.
Comment: A previously undescribed heterozygous nucleotide variant creates a premature translation stop codon p.Tyr356Ter in the STAG2 gene. Heterozygous variants are reported in patients with holoprosencephaly 13, 301043; Mullegama-Klein-Martinez syndrome, 301022. The variant is not present in population database (gnomAD no frequency). In summary, the currently available evidence indicates that the variant is pathogenic, but additional data are needed to prove that conclusively. Therefore, this variant has been classified as likely pathogenic.

NM_001042750.2(STAG2):c.1068T>G (p.Tyr356Ter)

Gene: STAG2 (STAG2 cohesin complex component; plus strand). Cytogenetic location: Xq25.
Variant type: single nucleotide variant.
Coding change: c.1068T>G on transcript NM_001042750.2 (MANE Select); coding-DNA position 1068, T replaced by G.
Protein change: p.Tyr356Ter; replaces tyrosine 356 with a stop codon.
Molecular consequence: nonsense.
Genome position (GRCh38, 1-based): chrX:124,051,171, T>G. VCF-style: chrX-124051171-T-G. GRCh37 (hg19) VCF-style: chrX-123185021-T-G.
Other names: c.1068T>G, p.Tyr356Ter (NM_001042749.2, NM_001042751.2, NM_001282418.2 and 23 more transcripts); short protein forms Y356*.
Identifiers: ClinVar variation 4294532 (VCV004294532.1).